The following is an entry in ClinVar:

ClinVar aggregate classification (germline): Likely pathogenic (1 of 4 stars; one submission).

Submission:

Clinical Genomics Laboratory, Laboratory for Precision Diagnostics, University of Washington
Classification: Likely pathogenic. Last evaluated: 2022-12-13. Review status: criteria provided, single submitter. Criteria: ACMG/ClinGen CNV Guidelines, 2019. Collection method: clinical testing. Allele origin: de novo. Affected: yes. Observed: 1 variant allele, 1 mosaic individual.
Comment: None of the genes within the duplicated region are confirmed to cause health problems in humans when present in an extra copy, and this duplication is not an established triplosensitive genomic region. There are reports of distal 15q duplications in the medical literature that include the duplicated region detected in this sample, but these reported cases involve much larger 15q duplications that are terminal, and many are due to unbalanced translocations with a concomitant terminal deletion of another chromosome. The most similar reported cases of distal 15q duplications include a fetus with overgrowth and mild rocker-bottom feet who was found to have a de novo terminal duplication of 15q25 to qter in 50% of amniotic fluid cells and 12% of lymphocytes (PMID: 15164417). There is another report of a non-mosaic de novo terminal duplication of 15q25.2 to qter in a child with severe language delay, motor developmental delay, autism, seizures, overgrowth, and a minor brain malformation (PMID:15666303). In these case reports and others with 15q terminal duplications, the finding of overgrowth is thought to be due to gain of the IGF1R gene in 15q26.3 that is not present in the duplicated region in this sample.

Literature cited by the submitters: PubMed 15666303; PubMed 15164417.

GRCh38/hg38 15q25.1-26.1(chr15:80776252-92767345)x3

Genes: MAN2A2 (mannosidase alpha class 2A member 2; plus strand), MESD (mesoderm development LRP chaperone; minus strand), MESP1 (mesoderm posterior bHLH transcription factor 1; minus strand), MESP2 (mesoderm posterior bHLH transcription factor 2; plus strand), MEX3B (mex-3 RNA binding family member B; minus strand) and 492 more. Cytogenetic location: 15q25.1-26.1.
Variant type: copy number gain.
Change: copy number 3 (three copies instead of two) of chr15:80,776,252-92,767,345 (11.99 Mb, GRCh38 coordinates, 1-based), cytogenetic band 15q25.1-26.1.
Identifiers: ClinVar variation 4852075 (VCV004852075.1).